The following is an entry in ClinVar:

NM_015047.3(EMC1):c.1090-18_1090-17delinsAC

Genes: EMC1 (ER membrane protein complex subunit 1; minus strand), EMC1-AS1 (EMC1 antisense RNA 1; plus strand). Cytogenetic location: 1p36.13.
Variant type: Indel.
Coding change: c.1090-18_1090-17delinsAC on transcript NM_015047.3 (MANE Select); 18 bases into the intron before coding-DNA position 1090 through 17 bases into the intron before coding-DNA position 1090, TG replaced by AC.
Molecular consequence: intron variant.
Genome position (GRCh38, 1-based): chr1:19,238,156-19,238,157, CA replaced by GT on the plus strand (TG replaced by AC on the coding strand, the reverse complement: EMC1 is on the minus strand). VCF-style: chr1-19238156-CA-GT. GRCh37 (hg19) VCF-style: chr1-19564650-CA-GT.
Other names: c.1024-18_1024-17delinsAC (NM_001271429.2); c.1087-18_1087-17delinsAC (NM_001271427.2, NM_001375821.1); c.1090-18_1090-17delinsAC (NM_001271428.2, NM_001375820.1).
Identifiers: ClinVar variation 2824210 (VCV002824210.3), dbSNP rs2536766721, ClinGen allele CA2739272332.
Genomic context (GRCh38, chr1:19,238,156, plus strand): 5'-TATAGGTTAATGGTGTAGGTCTGATTGAAGCAAGCCAGAGAGTCCTAGGAGTACAGACAG[CA>GT]CGTGTCAACTACAGGTATCCCCCGAAAGCAAAGCCCACCAAAGGAAGTCCAAGGATTGGG-3'

ClinVar aggregate classification (germline): Uncertain significance (1 of 4 stars; one submission).

Submission:

Labcorp Genetics (formerly Invitae), Labcorp
Classification: Uncertain significance. Last evaluated: 2022-12-25. Review status: criteria provided, single submitter. Criteria: Invitae Variant Classification Sherloc (09022015). Collection method: clinical testing. Allele origin: germline.
Comment: In summary, the available evidence is currently insufficient to determine the role of this variant in disease. Therefore, it has been classified as a Variant of Uncertain Significance. Experimental studies and prediction algorithms are not available or were not evaluated, and the effect of this variant on mRNA splicing is currently unknown. This variant has not been reported in the literature in individuals affected with EMC1-related conditions. Information on the frequency of this variant in the gnomAD database is not available, as this variant may be reported differently in the database. This sequence change falls in intron 10 of the EMC1 gene. It does not directly change the encoded amino acid sequence of the EMC1 protein.